The following is an entry in ClinVar:

NM_212482.4(FN1):c.2350C>T (p.Arg784Ter)

Gene: FN1 (fibronectin 1; minus strand). Cytogenetic location: 2q35.
Variant type: single nucleotide variant.
Coding change: c.2350C>T on transcript NM_212482.4 (MANE Select); coding-DNA position 2350, C replaced by T.
Protein change: p.Arg784Ter; replaces arginine 784 with a stop codon.
Molecular consequence: nonsense.
Genome position (GRCh38, 1-based): chr2:215,408,376, G>A on the plus strand (C>T on the coding strand, the complement: FN1 is on the minus strand). VCF-style: chr2-215408376-G-A. GRCh37 (hg19) VCF-style: chr2-216273099-G-A.
Other names: c.2350C>T, p.Arg784Ter (NM_001306129.2, NM_001306130.2, NM_001306131.2 and 13 more transcripts); short protein forms R784*.
Identifiers: ClinVar variation 1460521 (VCV001460521.6), dbSNP rs2106284837, ClinGen allele CA350491332.

ClinVar aggregate classification (germline): Uncertain significance (1 of 4 stars; one submission).

Allele frequency attached by ClinVar (database versions not stated): gnomAD exomes below 0.00001.
gnomAD v4.1: 2 of 1,613,988 alleles (0.00012%); highest among the groups gnomAD compares: Non-Finnish European, 0.00017%; no homozygotes.

Submission:

Labcorp Genetics (formerly Invitae), Labcorp
Classification: Uncertain significance. Last evaluated: 2022-07-03. Review status: criteria provided, single submitter. Criteria: Invitae Variant Classification Sherloc (09022015). Collection method: clinical testing. Allele origin: germline.
Comment: In summary, the available evidence is currently insufficient to determine the role of this variant in disease. Therefore, it has been classified as a Variant of Uncertain Significance. ClinVar contains an entry for this variant (Variation ID: 1460521). This variant has not been reported in the literature in individuals affected with FN1-related conditions. This variant is not present in population databases (gnomAD no frequency). This sequence change creates a premature translational stop signal (p.Arg784*) in the FN1 gene. It is expected to result in an absent or disrupted protein product. However, the current clinical and genetic evidence is not sufficient to establish whether loss-of-function variants in FN1 cause disease.